The following is an entry in ClinVar:

ClinVar aggregate classification (germline): Uncertain significance. Review status: criteria provided, multiple submitters, no conflicts (2 of 4 stars). 3 submissions from 3 submitters: Uncertain significance (3). Last evaluated 2026-08-05.

Conditions:
NR0B2-related disorder. Also called: NR0B2-related condition.

Allele frequency attached by ClinVar (database versions not stated): gnomAD exomes 0.00003; gnomAD 0.00005; ExAC 0.00014; TOPMed 0.00022.
gnomAD v4.1: 56 of 1,603,724 alleles (0.0035%); highest among the groups gnomAD compares: Admixed American, 0.062%; no homozygotes.

Submissions (3):

PreventionGenetics, part of Exact Sciences
Classification: Uncertain significance for NR0B2-related condition. Last evaluated: 2026-08-05. Review status: criteria provided, single submitter. Criteria: ACMG Guidelines, 2015. Collection method: clinical testing. Allele origin: germline.
Comment: The NR0B2 c.203C>T variant is predicted to result in the amino acid substitution p.Ala68Val. To our knowledge, this variant has not been reported in the literature. This variant is reported in 0.059% of alleles in individuals of Latino descent in gnomAD, which may be too common to be a primary cause of disease. Although we suspect that this variant may be benign, the clinical significance of this variant is uncertain at this time due to the absence of conclusive functional and genetic evidence.

Labcorp Genetics (formerly Invitae), Labcorp
Classification: Uncertain significance. Last evaluated: 2024-04-29. Review status: criteria provided, single submitter. Criteria: Invitae Variant Classification Sherloc (09022015). Collection method: clinical testing. Allele origin: germline.
Comment: This sequence change replaces alanine, which is neutral and non-polar, with valine, which is neutral and non-polar, at codon 68 of the NR0B2 protein (p.Ala68Val). This variant is present in population databases (rs202150278, gnomAD 0.06%), and has an allele count higher than expected for a pathogenic variant. This variant has not been reported in the literature in individuals affected with NR0B2-related conditions. ClinVar contains an entry for this variant (Variation ID: 2634206). Advanced modeling of protein sequence and biophysical properties (such as structural, functional, and spatial information, amino acid conservation, physicochemical variation, residue mobility, and thermodynamic stability) performed at Invitae indicates that this missense variant is not expected to disrupt NR0B2 protein function with a negative predictive value of 80%. In summary, the available evidence is currently insufficient to determine the role of this variant in disease. Therefore, it has been classified as a Variant of Uncertain Significance.

Ambry Genetics
Classification: Uncertain significance. Last evaluated: 2024-04-09. Review status: criteria provided, single submitter. Criteria: Ambry Variant Classification Scheme 2023. Collection method: clinical testing. Allele origin: germline.

NM_021969.3(NR0B2):c.203C>T (p.Ala68Val)

Genes: NR0B2 (nuclear receptor subfamily 0 group B member 2; minus strand), NUDC (nuclear distribution C, dynein complex regulator; plus strand). Cytogenetic location: 1p36.11.
Variant type: single nucleotide variant.
Coding change: c.203C>T on transcript NM_021969.3 (MANE Select); coding-DNA position 203, C replaced by T.
Protein change: p.Ala68Val; replaces alanine 68 with valine.
Molecular consequence: missense variant.
Genome position (GRCh38, 1-based): chr1:26,913,738, G>A on the plus strand (C>T on the coding strand, the complement: NR0B2 is on the minus strand). VCF-style: chr1-26913738-G-A. GRCh37 (hg19) VCF-style: chr1-27240229-G-A.
Other names: short protein forms A68V.
Identifiers: ClinVar variation 2634206 (VCV002634206.6), dbSNP rs202150278, ClinGen allele CA709700.